The following is an entry in ClinVar:

ClinVar aggregate classification (germline): Uncertain significance. Review status: criteria provided, multiple submitters, no conflicts (2 of 4 stars). 3 submissions from 3 submitters: Uncertain significance (3). Last evaluated 2025-12-10.

Conditions:
RHO-related disorder. Also called: RHO-related condition.

Submissions (3):

Labcorp Genetics (formerly Invitae), Labcorp
Classification: Uncertain significance. Last evaluated: 2025-12-10. Review status: criteria provided, single submitter. Criteria: Invitae Variant Classification Sherloc (09022015). Collection method: clinical testing. Allele origin: germline.
Comment: This sequence change replaces valine, which is neutral and non-polar, with methionine, which is neutral and non-polar, at codon 271 of the RHO protein (p.Val271Met). This variant is present in population databases (rs201008735, gnomAD 0.004%). This variant has not been reported in the literature in individuals affected with RHO-related conditions. ClinVar contains an entry for this variant (Variation ID: 3620716). Invitae Evidence Modeling of protein sequence and biophysical properties (such as structural, functional, and spatial information, amino acid conservation, physicochemical variation, residue mobility, and thermodynamic stability) has been performed for this missense variant. However, the output from this modeling did not meet the statistical confidence thresholds required to predict the impact of this variant on RHO protein function. In summary, the available evidence is currently insufficient to determine the role of this variant in disease. Therefore, it has been classified as a Variant of Uncertain Significance.

PreventionGenetics, part of Exact Sciences
Classification: Uncertain significance for RHO-related condition. Last evaluated: 2025-05-14. Review status: criteria provided, single submitter. Criteria: ACMG Guidelines, 2015. Collection method: clinical testing. Allele origin: germline.
Comment: The RHO c.811G>A variant is predicted to result in the amino acid substitution p.Val271Met. To our knowledge, this variant has not been reported in the literature. This variant is reported in 0.0044% of alleles in individuals of European (Non-Finnish) descent in gnomAD. At this time, the clinical significance of this variant is uncertain due to the absence of conclusive functional and genetic evidence.

Blueprint Genetics
Classification: Uncertain significance. Last evaluated: 2018-07-10. Review status: criteria provided, single submitter. Criteria: ACMG Guidelines, 2015. Collection method: clinical testing. Allele origin: germline.

NM_000539.3(RHO):c.811G>A (p.Val271Met)

Gene: RHO (rhodopsin; plus strand). Cytogenetic location: 3q22.1.
Variant type: single nucleotide variant.
Coding change: c.811G>A on transcript NM_000539.3 (MANE Select); coding-DNA position 811, G replaced by A.
Protein change: p.Val271Met; replaces valine 271 with methionine.
Molecular consequence: missense variant.
Genome position (GRCh38, 1-based): chr3:129,532,647, G>A. VCF-style: chr3-129532647-G-A. GRCh37 (hg19) VCF-style: chr3-129251490-G-A.
Other names: short protein forms V271M.
Identifiers: ClinVar variation 3620716 (VCV003620716.4).
Genomic context (GRCh38, chr3:129,532,647, plus strand): 5'-ACCCGCATGGTCATCATCATGGTCATCGCTTTCCTGATCTGCTGGGTGCCCTACGCCAGC[G>A]TGGCATTCTACATCTTCACCCACCAGGGCTCCAACTTCGGTCCCATCTTCATGACCATCC-3'
Protein context (NP_000530.1, residues 261-281): FLICWVPYAS[Val271Met]AFYIFTHQGS